The following is an entry in ClinVar:

ClinVar aggregate classification (germline): Uncertain significance (1 of 4 stars; one submission).

Conditions:
Hereditary cancer-predisposing syndrome. Also called: Neoplastic Syndromes, Hereditary; Tumor predisposition; Hereditary neoplastic syndrome; Hereditary Cancer Syndrome. Identifiers: Orphanet 140162, MedGen C0027672, MeSH D009386, MONDO:0015356.

Submission:

Ambry Genetics
Classification: Uncertain significance for Hereditary cancer-predisposing syndrome. Last evaluated: 2025-06-25. Review status: criteria provided, single submitter. Criteria: Ambry Variant Classification Scheme 2023. Collection method: clinical testing. Allele origin: germline.
Comment: The p.F2410I variant (also known as c.7228T>A), located in coding exon 48 of the ATM gene, results from a T to A substitution at nucleotide position 7228. The phenylalanine at codon 2410 is replaced by isoleucine, an amino acid with highly similar properties. This amino acid position is highly conserved in available vertebrate species. In addition, the in silico prediction for this alteration is inconclusive. Based on the available evidence, the clinical significance of this variant remains unclear.

NM_000051.4(ATM):c.7228T>A (p.Phe2410Ile)

Genes: ATM (ATM serine/threonine kinase; plus strand), C11orf65 (chromosome 11 open reading frame 65; minus strand). Cytogenetic location: 11q22.3.
Variant type: single nucleotide variant.
Coding change: c.7228T>A on transcript NM_000051.4 (MANE Select); coding-DNA position 7228, T replaced by A.
Protein change: p.Phe2410Ile; replaces phenylalanine 2410 with isoleucine.
Molecular consequence: missense variant. On other transcripts: intron variant (2).
Genome position (GRCh38, 1-based): chr11:108,329,159, T>A. VCF-style: chr11-108329159-T-A. GRCh37 (hg19) VCF-style: chr11-108199886-T-A.
Other names: c.7228T>A, p.Phe2410Ile (NM_001351834.2); c.641-20088A>T (NM_001330368.2); c.*38+6061A>T (NM_001351110.2); short protein forms F2410I.
Identifiers: ClinVar variation 4168596 (VCV004168596.1).